The following is an entry in ClinVar:

NM_001110556.2(FLNA):c.-19dup

Gene: FLNA (filamin A; minus strand). Cytogenetic location: Xq28.
Variant type: Duplication.
Coding change: c.-19dup on transcript NM_001110556.2 (MANE Select); 19 bases upstream of the start codon, one base duplicated (C; older notation c.-19dupC).
Molecular consequence: 5 prime UTR variant.
Genome position (GRCh38, 1-based): chrX:154,371,264, G duplicated on the plus strand (C on the coding strand, the reverse complement: FLNA is on the minus strand); the first of 7 consecutive G bases (chrX:154,371,264-154,371,270); duplicating any one gives the same sequence. VCF-style (leftmost placement, unchanged base first): chrX-154371263-C-CG. GRCh37 (hg19) VCF-style: chrX-153599631-C-CG.
Other names: c.-19dupC (NM_001456.3, NM_001110556.2); c.-19dup (NM_001456.4).
Identifiers: ClinVar variation 213456 (VCV000213456.3), dbSNP rs782079491, ClinGen allele CA325243.
Genomic context (GRCh38, chrX:154,371,263, plus strand): 5'-CGCCTGCTGCGCTCTGGCCCGCCCGAGAGTGGGAGCTACTCATTTTGAGGCGCGAGAAGC[C>CG]GGGGGGGCGGTGCTGCAGCCTCGGCGAGGGGACGGCCCTTTAATTAAAGTCGCAGGCACC-3'

ClinVar aggregate classification (germline): Benign/Likely benign. Review status: criteria provided, multiple submitters, no conflicts (2 of 4 stars). 3 submissions from 3 submitters: Benign (2); Likely benign (1). Last evaluated 2024-06-05.

Submissions (3):

Blueprint Genetics
Classification: Likely benign. Last evaluated: 2024-06-05. Review status: criteria provided, single submitter. Criteria: ACMG Guidelines, 2015. Collection method: clinical testing. Allele origin: germline.

Women's Health and Genetics/Laboratory Corporation of America, LabCorp
Classification: Benign. Last evaluated: 2023-08-24. Review status: criteria provided, single submitter. Criteria: LabCorp Variant Classification Summary - May 2015. Collection method: clinical testing. Allele origin: germline.

GeneDx
Classification: Benign. Last evaluated: 2015-03-03. Review status: criteria provided, single submitter. Criteria: GeneDx Variant Classification (06012015). Collection method: clinical testing. Allele origin: germline. Affected: yes.
Comment: This variant was found in TAAD